The following is an entry in ClinVar:

ClinVar aggregate classification (germline): Uncertain significance (1 of 4 stars; one submission).

Conditions:
Congenital myasthenic syndrome 14. Also called: Myasthenic syndrome, congenital, 14, with tubular aggregates. Identifiers: Orphanet 353327, Orphanet 590, MedGen C4015597, MONDO:0014543, OMIM 616228.
Congenital disorder of glycosylation, type Ii. Also called: ALG2-congenital disorder of glycosylation; ALG2-CDG; CDG Ii. Identifiers: Orphanet 79326, MedGen C1842836, MONDO:0011933, OMIM 607906.

Allele frequency attached by ClinVar (database versions not stated): TOPMed 0.00005; gnomAD 0.00005; gnomAD exomes 0.00001 and 0.00002; ExAC 0.00003.

Submission:

Labcorp Genetics (formerly Invitae), Labcorp
Classification: Uncertain significance for Congenital disorder of glycosylation, type Ii; Congenital myasthenic syndrome 14. Last evaluated: 2022-08-24. Review status: criteria provided, single submitter. Criteria: Invitae Variant Classification Sherloc (09022015). Collection method: clinical testing. Allele origin: germline.
Comment: This sequence change replaces valine, which is neutral and non-polar, with alanine, which is neutral and non-polar, at codon 123 of the ALG2 protein (p.Val123Ala). This variant is present in population databases (rs762560638, gnomAD 0.03%). This variant has not been reported in the literature in individuals affected with ALG2-related conditions. ClinVar contains an entry for this variant (Variation ID: 575672). Algorithms developed to predict the effect of missense changes on protein structure and function are either unavailable or do not agree on the potential impact of this missense change (SIFT: "Deleterious"; PolyPhen-2: "Benign"; Align-GVGD: "Class C15"). In summary, the available evidence is currently insufficient to determine the role of this variant in disease. Therefore, it has been classified as a Variant of Uncertain Significance.

NM_033087.4(ALG2):c.368T>C (p.Val123Ala)

Gene: ALG2 (ALG2 alpha-1,3/1,6-mannosyltransferase; minus strand). Cytogenetic location: 9q22.33.
Variant type: single nucleotide variant.
Coding change: c.368T>C on transcript NM_033087.4 (MANE Select); coding-DNA position 368, T replaced by C.
Protein change: p.Val123Ala; replaces valine 123 with alanine.
Molecular consequence: missense variant. On other transcripts: non-coding transcript variant (1).
Genome position (GRCh38, 1-based): chr9:99,218,817, A>G on the plus strand (T>C on the coding strand, the complement: ALG2 is on the minus strand). VCF-style: chr9-99218817-A-G. GRCh37 (hg19) VCF-style: chr9-101981099-A-G.
Other names: short protein forms V123A.
Identifiers: ClinVar variation 575672 (VCV000575672.6), dbSNP rs762560638, ClinGen allele CA5156337.